The following is an entry in ClinVar:

NM_001330260.2(SCN8A):c.3060G>C (p.Gln1020His)

Gene: SCN8A (sodium voltage-gated channel alpha subunit 8; plus strand). Cytogenetic location: 12q13.13.
Variant type: single nucleotide variant.
Coding change: c.3060G>C on transcript NM_001330260.2 (MANE Select); coding-DNA position 3060, G replaced by C.
Protein change: p.Gln1020His; replaces glutamine 1020 with histidine.
Molecular consequence: missense variant.
Genome position (GRCh38, 1-based): chr12:51,769,023, G>C. VCF-style: chr12-51769023-G-C. GRCh37 (hg19) VCF-style: chr12-52162807-G-C.
Other names: c.3060G>C, p.Gln1020His (NM_001177984.3, NM_001369788.1, NM_014191.4); short protein forms Q1020H.
Identifiers: ClinVar variation 1339139 (VCV001339139.5), dbSNP rs528718802, ClinGen allele CA10641732.

ClinVar aggregate classification (germline): Uncertain significance. Review status: criteria provided, multiple submitters, no conflicts (2 of 4 stars). 2 submissions from 2 submitters: Uncertain significance (2). Last evaluated 2023-06-24.

Conditions:
Early-infantile DEE. Also called: Ohtahara syndrome; Early infantile epileptic encephalopathy with suppression bursts; Early infantile epileptic encephalopathy. Identifiers: Orphanet 1934, MedGen C0393706, MONDO:0800491.
Developmental and epileptic encephalopathy, 13 (DEE13). Also called: Developmental and Epileptic Encephalopathy (SCN8A-DEE); Early infantile epileptic encephalopathy 13; SCN8A-Related Epilepsy. Identifiers: Orphanet 442835, MedGen C3281191, MONDO:0013801, OMIM 614558.

Allele frequency attached by ClinVar (database versions not stated): gnomAD 0.00003; TOPMed 0.00001.
gnomAD v4.1: 3 of 1,614,002 alleles (0.00019%); highest among the groups gnomAD compares: Non-Finnish European, 0.00025%; no homozygotes.

Submissions (2):

Labcorp Genetics (formerly Invitae), Labcorp
Classification: Uncertain significance for Early-infantile DEE. Last evaluated: 2023-06-24. Review status: criteria provided, single submitter. Criteria: Invitae Variant Classification Sherloc (09022015). Collection method: clinical testing. Allele origin: germline.
Comment: This variant has not been reported in the literature in individuals affected with SCN8A-related conditions. ClinVar contains an entry for this variant (Variation ID: 1339139). Advanced modeling of protein sequence and biophysical properties (such as structural, functional, and spatial information, amino acid conservation, physicochemical variation, residue mobility, and thermodynamic stability) performed at Invitae indicates that this missense variant is not expected to disrupt SCN8A protein function. In summary, the available evidence is currently insufficient to determine the role of this variant in disease. Therefore, it has been classified as a Variant of Uncertain Significance. This variant is present in population databases (no rsID available, gnomAD 0.007%). This sequence change replaces glutamine, which is neutral and polar, with histidine, which is basic and polar, at codon 1020 of the SCN8A protein (p.Gln1020His).

Neuberg Centre For Genomic Medicine, NCGM
Classification: Uncertain significance for Developmental and epileptic encephalopathy, 13. Review status: criteria provided, single submitter. Criteria: ACMG Guidelines, 2015. Collection method: clinical testing. Allele origin: germline. Affected: yes.
Comment: The missense variant p.Q1020H in SCN8A (NM_014191.4) has not been reported previously as a pathogenic variant nor as a benign variant, to our knowledge. The p.Q1020H variant is novel (not in any individuals) in gnomAD Exomes and is novel (not in any individuals) in 1000 Genomes. In silico tools are contradictory in their predictions and the the residue is poorly conserved across species. For these reasons, this variant has been classified as Uncertain Significance